The following is an entry in ClinVar:

NM_001130987.2(DYSF):c.4792G>A (p.Ala1598Thr)

Gene: DYSF (dysferlin; plus strand). Cytogenetic location: 2p13.2.
Variant type: single nucleotide variant.
Coding change: c.4792G>A on transcript NM_001130987.2 (MANE Select); coding-DNA position 4792, G replaced by A.
Protein change: p.Ala1598Thr; replaces alanine 1598 with threonine.
Molecular consequence: missense variant.
Genome position (GRCh38, 1-based): chr2:71,658,914, G>A. VCF-style: chr2-71658914-G-A. GRCh37 (hg19) VCF-style: chr2-71886044-G-A.
Other names: c.4675G>A, p.Ala1559Thr (NM_003494.4); c.4678G>A, p.Ala1560Thr (NM_001130455.2); c.4633G>A, p.Ala1545Thr (NM_001130976.2); c.4696G>A, p.Ala1566Thr (NM_001130977.2); c.4738G>A, p.Ala1580Thr (NM_001130978.2); c.4768G>A, p.Ala1590Thr (NM_001130979.2); c.4726G>A, p.Ala1576Thr (NM_001130980.2); c.4789G>A, p.Ala1597Thr (NM_001130981.2); and 5 more; short protein forms A1559T, A1598T, A1566T, A1576T, A1577T, A1580T, A1581T, A1591T.
Identifiers: ClinVar variation 471310 (VCV000471310.21), dbSNP rs146213322, ClinGen allele CA1707145.

ClinVar aggregate classification (germline): Conflicting classifications of pathogenicity. Review status: criteria provided, conflicting classifications (1 of 4 stars). 6 submissions from 6 submitters: Uncertain significance (5); Likely benign (1). Last evaluated 2025-12-01.

Conditions:
Inborn genetic diseases. Identifiers: MedGen C0950123, MeSH D030342.
Neuromuscular disease caused by qualitative or quantitative defects of dysferlin. Also called: Dysferlinopathy; Qualitative or quantitative defects of dysferlin. Identifiers: Orphanet 207073, MedGen C2931687, MONDO:0016145.

Allele frequency attached by ClinVar (database versions not stated): gnomAD exomes 0.00002 and 0.00010; ExAC 0.00012; 1000 Genomes Project 0.00020; gnomAD 0.00027 and 0.00030; 1000 Genomes Project 30x 0.00031; TOPMed 0.00038; ESP Exome Variant Server 0.00046.
gnomAD v4.1: 74 of 1,614,108 alleles (0.0046%); highest among the groups gnomAD compares: African/African-American, 0.087%; no homozygotes.

Submissions (6):

Labcorp Genetics (formerly Invitae), Labcorp
Classification: Likely benign for Neuromuscular disease caused by qualitative or quantitative defects of dysferlin. Last evaluated: 2025-12-01. Review status: criteria provided, single submitter. Criteria: Invitae Variant Classification Sherloc (09022015). Collection method: clinical testing. Allele origin: germline.

GeneDx
Classification: Uncertain significance. Last evaluated: 2025-02-10. Review status: criteria provided, single submitter. Criteria: GeneDx Variant Classification Process June 2021. Collection method: clinical testing. Allele origin: germline. Affected: yes.
Comment: In silico analysis indicates that this missense variant does not alter protein structure/function; Has not been previously published as pathogenic or benign to our knowledge

Ambry Genetics
Classification: Uncertain significance for Inborn genetic diseases. Last evaluated: 2024-04-19. Review status: criteria provided, single submitter. Criteria: Ambry Variant Classification Scheme 2023. Collection method: clinical testing. Allele origin: germline.

Revvity Omics, Revvity
Classification: Uncertain significance. Last evaluated: 2021-01-06. Review status: criteria provided, single submitter. Criteria: ACMG Guidelines, 2015. Collection method: clinical testing. Allele origin: germline.

Athena Diagnostics
Classification: Uncertain significance. Last evaluated: 2020-02-18. Review status: criteria provided, single submitter. Criteria: Athena Diagnostics Criteria. Collection method: clinical testing. Allele origin: unknown.

Eurofins Ntd Llc (ga)
Classification: Uncertain significance. Last evaluated: 2018-03-23. Review status: criteria provided, single submitter. Criteria: EGL ClinVar v180209 classification definitions. Collection method: clinical testing. Allele origin: germline. Observed: 1 variant allele, 1 heterozygote.